The following is an entry in ClinVar:

NM_000455.5(STK11):c.662C>T (p.Pro221Leu)

Gene: STK11 (serine/threonine kinase 11; plus strand). Cytogenetic location: 19p13.3.
Variant type: single nucleotide variant.
Coding change: c.662C>T on transcript NM_000455.5 (MANE Select); coding-DNA position 662, C replaced by T.
Protein change: p.Pro221Leu; replaces proline 221 with leucine.
Molecular consequence: missense variant.
Genome position (GRCh38, 1-based): chr19:1,220,645, C>T. VCF-style: chr19-1220645-C-T. GRCh37 (hg19) VCF-style: chr19-1220644-C-T.
Other names: short protein forms P221L.
Identifiers: ClinVar variation 630714 (VCV000630714.19), dbSNP rs1167609100, ClinGen allele CA402949682.

ClinVar aggregate classification (germline): Conflicting classifications of pathogenicity. Review status: criteria provided, conflicting classifications (1 of 4 stars). 4 submissions from 4 submitters: Likely pathogenic (1); Uncertain significance (3). Last evaluated 2025-09-22.

Conditions:
Hereditary cancer-predisposing syndrome. Also called: Hereditary Cancer Syndrome; Neoplastic Syndromes, Hereditary; Tumor predisposition; Hereditary neoplastic syndrome. Identifiers: Orphanet 140162, MedGen C0027672, MeSH D009386, MONDO:0015356.
Peutz-Jeghers syndrome (PJS). Also called: Peutz-Jeghers polyposis; Periorificial lentiginosis syndrome; POLYPOSIS, HAMARTOMATOUS INTESTINAL; POLYPS-AND-SPOTS SYNDROME. Identifiers: Orphanet 2869, MedGen C0031269, MeSH D010580, MONDO:0008280, OMIM 175200.

Allele frequency attached by ClinVar (database versions not stated): gnomAD exomes below 0.00001; TOPMed below 0.00001; gnomAD 0.00001.
gnomAD v4.1: 2 of 1,609,014 alleles (0.00012%); highest among the groups gnomAD compares: Non-Finnish European, 0.00017%; no homozygotes.

Submissions (4):

Labcorp Genetics (formerly Invitae), Labcorp
Classification: Likely pathogenic for Peutz-Jeghers syndrome. Last evaluated: 2025-09-22. Review status: criteria provided, single submitter. Criteria: Invitae Variant Classification Sherloc (09022015). Collection method: clinical testing. Allele origin: germline.
Comment: This sequence change replaces proline, which is neutral and non-polar, with leucine, which is neutral and non-polar, at codon 221 of the STK11 protein (p.Pro221Leu). This variant is not present in population databases (gnomAD no frequency). This missense change has been observed in individual(s) with breast cancer (PMID: 30306255). Invitae Evidence Modeling of clinical and family history, age, sex, and reported ancestry of multiple individuals with this STK11 variant has been performed. This variant is expected to be pathogenic with a positive predictive value of at least 99%. This is a validated machine learning model that incorporates the clinical features of 656,629 individuals referred to our laboratory for STK11 testing. ClinVar contains an entry for this variant (Variation ID: 630714). Invitae Evidence Modeling of protein sequence and biophysical properties (such as structural, functional, and spatial information, amino acid conservation, physicochemical variation, residue mobility, and thermodynamic stability) has been performed for this missense variant. However, the output from this modeling did not meet the statistical confidence thresholds required to predict the impact of this variant on STK11 protein function. In summary, the currently available evidence indicates that the variant is pathogenic, but additional data are needed to prove that conclusively. Therefore, this variant has been classified as Likely Pathogenic.

Ambry Genetics
Classification: Uncertain significance for Hereditary cancer-predisposing syndrome. Last evaluated: 2024-05-14. Review status: criteria provided, single submitter. Criteria: Ambry Variant Classification Scheme 2023. Collection method: clinical testing. Allele origin: germline.
Comment: The p.P221L variant (also known as c.662C>T), located in coding exon 5 of the STK11 gene, results from a C to T substitution at nucleotide position 662. The proline at codon 221 is replaced by leucine, an amino acid with similar properties. This variant was reported in a study of 192 Spanish breast and/or ovarian cancer families without mutations in BRCA1/2 (Bonache S et al. J. Cancer Res. Clin. Oncol. 2018 Dec;144:2495-2513). This amino acid position is highly conserved in available vertebrate species. In addition, this alteration is predicted to be deleterious by in silico analysis. Based on the available evidence, the clinical significance of this variant remains unclear.

Genome-Nilou Lab
Classification: Uncertain significance for Peutz-Jeghers syndrome. Last evaluated: 2021-07-15. Review status: criteria provided, single submitter. Criteria: ACMG Guidelines, 2015. Collection method: clinical testing. Allele origin: germline. Affected: no.

Color Diagnostics, LLC DBA Color Health
Classification: Uncertain significance for Hereditary cancer-predisposing syndrome. Last evaluated: 2018-11-23. Review status: criteria provided, single submitter. Criteria: ACMG Guidelines, 2015. Collection method: clinical testing. Allele origin: germline.

Literature cited by the submitters: PubMed 30306255 (cited by Labcorp Genetics (formerly Invitae), Labcorp and Ambry Genetics).